The following is an entry in ClinVar:

ClinVar aggregate classification (germline): Uncertain significance. Review status: criteria provided, multiple submitters, no conflicts (2 of 4 stars). 2 submissions from 2 submitters: Uncertain significance (2). Last evaluated 2024-12-17.

Conditions:
Familial adenomatous polyposis 1 (FAP1). Also called: POLYPOSIS, ADENOMATOUS INTESTINAL; FAMILIAL ADENOMATOUS POLYPOSIS 1, ATTENUATED. Identifiers: MedGen C2713442, MONDO:0021056, OMIM 175100. Disease mechanism: loss of function.
Hereditary cancer-predisposing syndrome. Also called: Neoplastic Syndromes, Hereditary; Tumor predisposition; Hereditary neoplastic syndrome; Hereditary Cancer Syndrome. Identifiers: Orphanet 140162, MedGen C0027672, MeSH D009386, MONDO:0015356.

Submissions (2):

Labcorp Genetics (formerly Invitae), Labcorp
Classification: Uncertain significance for Familial adenomatous polyposis 1. Last evaluated: 2024-12-17. Review status: criteria provided, single submitter. Criteria: Invitae Variant Classification Sherloc (09022015). Collection method: clinical testing. Allele origin: germline.
Comment: This sequence change replaces proline, which is neutral and non-polar, with serine, which is neutral and polar, at codon 2351 of the APC protein (p.Pro2351Ser). This variant is not present in population databases (gnomAD no frequency). This variant has not been reported in the literature in individuals affected with APC-related conditions. ClinVar contains an entry for this variant (Variation ID: 3231142). Invitae Evidence Modeling of protein sequence and biophysical properties (such as structural, functional, and spatial information, amino acid conservation, physicochemical variation, residue mobility, and thermodynamic stability) indicates that this missense variant is not expected to disrupt APC protein function with a negative predictive value of 95%. In summary, the available evidence is currently insufficient to determine the role of this variant in disease. Therefore, it has been classified as a Variant of Uncertain Significance.

Ambry Genetics
Classification: Uncertain significance for Hereditary cancer-predisposing syndrome. Last evaluated: 2023-12-15. Review status: criteria provided, single submitter. Criteria: Ambry Variant Classification Scheme 2023. Collection method: clinical testing. Allele origin: germline.
Comment: The p.P2351S variant (also known as c.7051C>T), located in coding exon 15 of the APC gene, results from a C to T substitution at nucleotide position 7051. The proline at codon 2351 is replaced by serine, an amino acid with similar properties. This amino acid position is highly conserved in available vertebrate species. In addition, in silico predictors for this gene do not accurately predict pathogenicity. Since supporting evidence is limited at this time, the clinical significance of this alteration remains unclear.

NM_000038.6(APC):c.7051C>T (p.Pro2351Ser)

Gene: APC (APC regulator of Wnt signaling pathway; plus strand). Cytogenetic location: 5q22.2.
Variant type: single nucleotide variant.
Coding change: c.7051C>T on transcript NM_000038.6 (MANE Select); coding-DNA position 7051, C replaced by T.
Protein change: p.Pro2351Ser; replaces proline 2351 with serine.
Molecular consequence: missense variant. On other transcripts: non-coding transcript variant (2).
Genome position (GRCh38, 1-based): chr5:112,842,645, C>T. VCF-style: chr5-112842645-C-T. GRCh37 (hg19) VCF-style: chr5-112178342-C-T.
Other names: c.7051C>T, p.Pro2351Ser (NM_001127510.3, NM_001354895.2, NM_001407450.1); c.6997C>T, p.Pro2333Ser (NM_001127511.3); c.7105C>T, p.Pro2369Ser (NM_001354896.2, NM_001407447.1, NM_001407448.1 and 1 more transcripts); c.7081C>T, p.Pro2361Ser (NM_001354897.2); c.6976C>T, p.Pro2326Ser (NM_001354898.2); c.6967C>T, p.Pro2323Ser (NM_001354899.2); c.6928C>T, p.Pro2310Ser (NM_001354900.2); c.6874C>T, p.Pro2292Ser (NM_001354901.2, NM_001407453.1); and 11 more; short protein forms P1967S, P2068S, P2191S, P2222S, P2225S, P2250S, P2260S, P2268S.
Identifiers: ClinVar variation 3231142 (VCV003231142.3), dbSNP rs2149978977, ClinGen allele CA16036697.